The following is an entry in ClinVar:

NM_138295.5(PKD1L1):c.7342A>T (p.Thr2448Ser)

Genes: PKD1L1 (polycystin 1 like 1, transient receptor potential channel interacting; minus strand), PKD1L1-AS1 (PKD1L1 antisense RNA 1; plus strand). Cytogenetic location: 7p12.3.
Variant type: single nucleotide variant.
Coding change: c.7342A>T on transcript NM_138295.5 (MANE Select); coding-DNA position 7342, A replaced by T.
Protein change: p.Thr2448Ser; replaces threonine 2448 with serine.
Molecular consequence: missense variant.
Genome position (GRCh38, 1-based): chr7:47,813,125, T>A on the plus strand (A>T on the coding strand, the complement: PKD1L1 is on the minus strand). VCF-style: chr7-47813125-T-A. GRCh37 (hg19) VCF-style: chr7-47852723-T-A.
Other names: short protein forms T2448S.
Identifiers: ClinVar variation 2636895 (VCV002636895.1), dbSNP rs537233816, ClinGen allele CA158086467.

ClinVar aggregate classification (germline): Uncertain significance (1 of 4 stars; one submission).

Conditions:
PKD1L1-related disorder. Also called: PKD1L1-related condition.

Allele frequency attached by ClinVar (database versions not stated): gnomAD 0.00001; TOPMed 0.00001.
gnomAD v4.1: 6 of 1,612,832 alleles (0.00037%); highest among the groups gnomAD compares: African/African-American, 0.004%; no homozygotes.

Submission:

PreventionGenetics, part of Exact Sciences
Classification: Uncertain significance for PKD1L1-related condition. Last evaluated: 2023-04-17. Review status: criteria provided, single submitter. Criteria: ACMG Guidelines, 2015. Collection method: clinical testing. Allele origin: germline.
Comment: The PKD1L1 c.7342A>T variant is predicted to result in the amino acid substitution p.Thr2448Ser. To our knowledge, this variant has not been reported in the literature or in a large population database, indicating this variant is rare. At this time, the clinical significance of this variant is uncertain due to the absence of conclusive functional and genetic evidence.